The following is an entry in ClinVar:

NM_003890.3(FCGBP):c.5154C>G (p.Thr1718=)

Gene: FCGBP (Fc gamma binding protein; minus strand). Cytogenetic location: 19q13.2.
Variant type: single nucleotide variant.
Coding change: c.5154C>G on transcript NM_003890.3 (MANE Select); coding-DNA position 5154, C replaced by G.
Protein change: p.Thr1718=; no amino-acid change (threonine 1718 retained).
Molecular consequence: synonymous variant.
Identifiers: ClinVar variation 2649859 (VCV002649859.19), dbSNP rs1599912772, ClinGen allele CA507381680.

ClinVar aggregate classification (germline): Likely benign (1 of 4 stars; one submission).

Submission:

CeGaT Center for Human Genetics Tuebingen
Classification: Likely benign. Last evaluated: 2022-03-01. Review status: criteria provided, single submitter. Criteria: CeGaT Center For Human Genetics Tuebingen Variant Classification Criteria Version 2. Collection method: clinical testing. Allele origin: germline. Affected: yes. Observed: 1 variant allele.
Comment: FCGBP: BP4, BP7